The following is an entry in ClinVar:

NM_172364.5(CACNA2D4):c.45G>T (p.Arg15Ser)

Gene: CACNA2D4 (calcium voltage-gated channel auxiliary subunit alpha2delta 4; minus strand). Cytogenetic location: 12p13.33.
Variant type: single nucleotide variant.
Coding change: c.45G>T on transcript NM_172364.5 (MANE Select); coding-DNA position 45, G replaced by T.
Protein change: p.Arg15Ser; replaces arginine 15 with serine.
Molecular consequence: missense variant.
Genome position (GRCh38, 1-based): chr12:1,918,429, C>A on the plus strand (G>T on the coding strand, the complement: CACNA2D4 is on the minus strand). VCF-style: chr12-1918429-C-A. GRCh37 (hg19) VCF-style: chr12-2027595-C-A.
Other names: short protein forms R15S.
Identifiers: ClinVar variation 2089859 (VCV002089859.4), dbSNP rs1396581002, ClinGen allele CA383366371.
Genomic context (GRCh38, chr12:1,918,429, plus strand): 5'-AATCCAGCGGCTGCTGGAGCTGGGGTTTGCGAGGAAGTTGGGAGTTGCAGGCATGGTGGG[C>A]CTGGGGTTGGGGAGGGGAAGGAGGGCAGAGCAGCCACAGACCATGAGCTCTGTCTGCCTT-3'
Protein context (NP_758952.4, residues 5-25): CSALLPLPNP[Arg15Ser]PTMPATPNFL

ClinVar aggregate classification (germline): Uncertain significance (1 of 4 stars; one submission).

Submission:

Labcorp Genetics (formerly Invitae), Labcorp
Classification: Uncertain significance. Last evaluated: 2022-10-05. Review status: criteria provided, single submitter. Criteria: Invitae Variant Classification Sherloc (09022015). Collection method: clinical testing. Allele origin: germline.
Comment: This variant has not been reported in the literature in individuals affected with CACNA2D4-related conditions. In summary, the available evidence is currently insufficient to determine the role of this variant in disease. Therefore, it has been classified as a Variant of Uncertain Significance. Algorithms developed to predict the effect of missense changes on protein structure and function output the following: SIFT: "Deleterious"; PolyPhen-2: "Benign"; Align-GVGD: "Class C0". The serine amino acid residue is found in multiple mammalian species, which suggests that this missense change does not adversely affect protein function. This variant is not present in population databases (gnomAD no frequency). This sequence change replaces arginine, which is basic and polar, with serine, which is neutral and polar, at codon 15 of the CACNA2D4 protein (p.Arg15Ser).